The following is an entry in ClinVar:

ClinVar aggregate classification (germline): Pathogenic (1 of 4 stars; one submission).

Conditions:
Primary ciliary dyskinesia 23 (CILD23). Also called: CILIARY DYSKINESIA, PRIMARY, 23, WITH OR WITHOUT SITUS INVERSUS. Identifiers: Orphanet 244, MedGen C3809548, MONDO:0014193, OMIM 615451.

Submission:

Labcorp Genetics (formerly Invitae), Labcorp
Classification: Pathogenic for Primary ciliary dyskinesia 23. Last evaluated: 2023-04-24. Review status: criteria provided, single submitter. Criteria: Invitae Variant Classification Sherloc (09022015). Collection method: clinical testing. Allele origin: unknown.
Comment: For these reasons, this variant has been classified as Pathogenic. This variant disrupts a region of the ARMC4 protein in which other variant(s) (p.Leu927Trp) have been determined to be pathogenic (PMID: 23849778; Invitae). This suggests that this is a clinically significant region of the protein, and that variants that disrupt it are likely to be disease-causing. This variant has not been reported in the literature in individuals affected with ARMC4-related conditions. This variant is a gross deletion of the genomic region encompassing exon(s) 18-19 of the ARMC4 gene. This variant would be expected to be in-frame, preserving the integrity of the reading frame.

Literature cited by the submitters: PubMed 23849778.

NC_000010.10:g.(?_28149534)_(28151571_?)del

Gene: ODAD2 (outer dynein arm docking complex subunit 2; minus strand). Cytogenetic location: 10p12.1.
Variant type: Deletion.
Identifiers: ClinVar variation 3244907 (VCV003244907.1).